The following is an entry in ClinVar:

NM_000350.3(ABCA4):c.1729G>A (p.Val577Met)

Gene: ABCA4 (ATP binding cassette subfamily A member 4; minus strand). Cytogenetic location: 1p22.1.
Variant type: single nucleotide variant.
Coding change: c.1729G>A on transcript NM_000350.3 (MANE Select); coding-DNA position 1729, G replaced by A.
Protein change: p.Val577Met; replaces valine 577 with methionine.
Molecular consequence: missense variant.
Genome position (GRCh38, 1-based): chr1:94,063,143, C>T on the plus strand (G>A on the coding strand, the complement: ABCA4 is on the minus strand). VCF-style: chr1-94063143-C-T. GRCh37 (hg19) VCF-style: chr1-94528699-C-T.
Other names: c.1729G>A, p.Val577Met (NM_001425324.1); short protein forms V577M.
Identifiers: ClinVar variation 1445204 (VCV001445204.5), dbSNP rs547063913, ClinGen allele CA958446.
Genomic context (GRCh38, chr1:94,063,143, plus strand): 5'-AATGCAGCGAGCCCTTCCTGAAACATCACCTGTCTTTAATCTTATTGGTTTTCTCCACCA[C>T]GTCTATGTCCATTCGGATCTTATACTTCACGTGGGGTGGTAGAGAGCTGGTCCAGGGATA-3'
Protein context (NP_000341.2, residues 567-587): VKYKIRMDID[Val577Met]VEKTNKIKDR

ClinVar aggregate classification (germline): Uncertain significance. Review status: criteria provided, multiple submitters, no conflicts (2 of 4 stars). 3 submissions from 3 submitters: Uncertain significance (3). Last evaluated 2023-10-01.

Conditions:
Retinal dystrophy. Also called: Inherited retinal dystrophy. Identifiers: Orphanet 71862, MedGen C0854723, MeSH D058499, MONDO:0019118, HP:0000556.

Allele frequency attached by ClinVar (database versions not stated): gnomAD 0.00001; gnomAD exomes 0.00004; ExAC 0.00007; 1000 Genomes Project 0.00040; 1000 Genomes Project 30x 0.00047.
gnomAD v4.1: 35 of 1,614,124 alleles (0.0022%); highest among the groups gnomAD compares: South Asian, 0.024%; no homozygotes.

Submissions (3):

Dept Of Ophthalmology, Nagoya University
Classification: Uncertain significance for Retinal dystrophy. Last evaluated: 2023-10-01. Review status: criteria provided, single submitter. Criteria: Submitter's publication. Collection method: research. Allele origin: germline. Affected: yes.

Labcorp Genetics (formerly Invitae), Labcorp
Classification: Uncertain significance. Last evaluated: 2022-02-24. Review status: criteria provided, single submitter. Criteria: Invitae Variant Classification Sherloc (09022015). Collection method: clinical testing. Allele origin: germline.
Comment: This sequence change replaces valine, which is neutral and non-polar, with methionine, which is neutral and non-polar, at codon 577 of the ABCA4 protein (p.Val577Met). This variant is present in population databases (rs547063913, gnomAD 0.02%). This variant has not been reported in the literature in individuals affected with ABCA4-related conditions. Advanced modeling of protein sequence and biophysical properties (such as structural, functional, and spatial information, amino acid conservation, physicochemical variation, residue mobility, and thermodynamic stability) performed at Invitae indicates that this missense variant is not expected to disrupt ABCA4 protein function. In summary, the available evidence is currently insufficient to determine the role of this variant in disease. Therefore, it has been classified as a Variant of Uncertain Significance.

Blueprint Genetics
Classification: Uncertain significance. Last evaluated: 2022-01-05. Review status: criteria provided, single submitter. Criteria: ACMG Guidelines, 2015. Collection method: clinical testing. Allele origin: germline.